The following is an entry in ClinVar:

NM_001278669.2(NFATC1):c.1069C>G (p.Leu357Val)

Gene: NFATC1 (nuclear factor of activated T cells 1; plus strand). Cytogenetic location: 18q23.
Variant type: single nucleotide variant.
Coding change: c.1069C>G on transcript NM_001278669.2 (MANE Select); coding-DNA position 1069, C replaced by G.
Protein change: p.Leu357Val; replaces leucine 357 with valine.
Molecular consequence: missense variant. On other transcripts: intron variant (2).
Genome position (GRCh38, 1-based): chr18:79,411,344, C>G. VCF-style: chr18-79411344-C-G. GRCh37 (hg19) VCF-style: chr18-77171344-C-G.
Other names: c.1069C>G, p.Leu357Val (NM_001278670.2, NM_006162.5, NM_172390.3); c.1030C>G, p.Leu344Val (NM_001278672.2, NM_001278675.2, NM_172387.3 and 1 more transcripts); c.-191+14993C>G (NM_172388.3); c.-191+10865C>G (NM_001278673.2); c.1069C>G (NM_001278669.1); short protein forms L344V, L357V.
Identifiers: ClinVar variation 1593761 (VCV001593761.32), dbSNP rs143975184, ClinGen allele CA9009019.

ClinVar aggregate classification (germline): Benign/Likely benign. Review status: criteria provided, multiple submitters, no conflicts (2 of 4 stars). 4 submissions from 4 submitters: Benign (2); Likely benign (1). 1 of the submissions does not count toward it. Last evaluated 2025-12-16.

Conditions:
NFATC1-related disorder. Also called: NFATC1-related condition.

Allele frequency attached by ClinVar (database versions not stated): gnomAD 0.00159 and 0.00165; TOPMed 0.00168; ExAC 0.00180; ESP Exome Variant Server 0.00224; gnomAD exomes 0.00227.

Submissions (4):

Labcorp Genetics (formerly Invitae), Labcorp
Classification: Benign. Last evaluated: 2025-12-16. Review status: criteria provided, single submitter. Criteria: Invitae Variant Classification Sherloc (09022015). Collection method: clinical testing. Allele origin: germline.

CeGaT Center for Human Genetics Tuebingen
Classification: Likely benign. Last evaluated: 2024-02-01. Review status: criteria provided, single submitter. Criteria: CeGaT Center For Human Genetics Tuebingen Variant Classification Criteria Version 2. Collection method: clinical testing. Allele origin: germline. Affected: yes. Observed: 1 variant allele.
Comment: NFATC1: BP4, BS2

Breakthrough Genomics
Classification: Benign. Review status: criteria provided, single submitter. Criteria: ACMG Guidelines, 2015. Collection method: not provided. Allele origin: germline. Inheritance: Unknown mechanism. Affected: yes.

PreventionGenetics, part of Exact Sciences
Classification: Benign for NFATC1-related condition. Last evaluated: 2019-08-09. Review status: no assertion criteria provided. Collection method: clinical testing. Allele origin: germline. Not counted in ClinVar's aggregate classification.
Comment: This variant is classified as benign based on ACMG/AMP sequence variant interpretation guidelines (Richards et al. 2015 PMID: 25741868, with internal and published modifications).